The following is an entry in ClinVar:

ClinVar aggregate classification (germline): Uncertain significance (1 of 4 stars; one submission).

Conditions:
Charcot-Marie-Tooth disease type 4. Also called: Charcot-Marie-Tooth disease, type IV; Charcot-Marie-Tooth, Type 4. Identifiers: Orphanet 64749, MedGen C4082197, MONDO:0018995.

Submission:

Labcorp Genetics (formerly Invitae), Labcorp
Classification: Uncertain significance for Charcot-Marie-Tooth disease type 4. Last evaluated: 2019-08-23. Review status: criteria provided, single submitter. Criteria: Invitae Variant Classification Sherloc (09022015). Collection method: clinical testing. Allele origin: germline.
Comment: This sequence change replaces leucine with serine at codon 16 of the NDRG1 protein (p.Leu16Ser). The leucine residue is moderately conserved and there is a large physicochemical difference between leucine and serine. This variant is not present in population databases (ExAC no frequency). This variant has not been reported in the literature in individuals with NDRG1-related conditions. Algorithms developed to predict the effect of missense changes on protein structure and function are either unavailable or do not agree on the potential impact of this missense change (SIFT: "Tolerated"; PolyPhen-2: "Probably Damaging"; Align-GVGD: "Class C0"). In summary, the available evidence is currently insufficient to determine the role of this variant in disease. Therefore, it has been classified as a Variant of Uncertain Significance.

NM_006096.4(NDRG1):c.47T>C (p.Leu16Ser)

Gene: NDRG1 (N-myc downstream regulated 1; minus strand). Cytogenetic location: 8q24.22.
Variant type: single nucleotide variant.
Coding change: c.47T>C on transcript NM_006096.4 (MANE Select); coding-DNA position 47, T replaced by C.
Protein change: p.Leu16Ser; replaces leucine 16 with serine.
Molecular consequence: missense variant. On other transcripts: 5 prime UTR variant (1), intron variant (2).
Genome position (GRCh38, 1-based): chr8:133,284,265, A>G on the plus strand (T>C on the coding strand, the complement: NDRG1 is on the minus strand). VCF-style: chr8-133284265-A-G. GRCh37 (hg19) VCF-style: chr8-134296508-A-G.
Other names: c.47T>C, p.Leu16Ser (NM_001135242.2, NM_001374844.1, NM_001374845.1 and 1 more transcripts); c.-91T>C (NM_001258433.2); c.-100+12869T>C (NM_001258432.2); c.-135-3998T>C (NM_001374847.1); short protein forms L16S.
Identifiers: ClinVar variation 942163 (VCV000942163.9), dbSNP rs1857976213, ClinGen allele CA372248788.